The following is an entry in ClinVar:

NM_005236.3(ERCC4):c.961G>C (p.Gly321Arg)

Gene: ERCC4 (ERCC excision repair 4, endonuclease catalytic subunit; plus strand). Cytogenetic location: 16p13.12.
Variant type: single nucleotide variant.
Coding change: c.961G>C on transcript NM_005236.3 (MANE Select); coding-DNA position 961, G replaced by C.
Protein change: p.Gly321Arg; replaces glycine 321 with arginine.
Molecular consequence: missense variant.
Genome position (GRCh38, 1-based): chr16:13,930,878, G>C. VCF-style: chr16-13930878-G-C. GRCh37 (hg19) VCF-style: chr16-14024735-G-C.
Other names: short protein forms G321R.
Identifiers: ClinVar variation 2444871 (VCV002444871.1), dbSNP rs2543174417, ClinGen allele CA394804860.
Genomic context (GRCh38, chr16:13,930,878, plus strand): 5'-TATGATTGTGTCACATTTCTTAATCTTCTGGAATCTCTGAGAGCAACGGAAAAAGCTTTT[G>C]GTCAGAATTCAGGTGGGAGATTAAAATACTAATAATATTCTAAGAGCTGATTTGAATAAA-3'
Protein context (NP_005227.1, residues 311-331): ESLRATEKAF[Gly321Arg]QNSGWLFLDS

ClinVar aggregate classification (germline): Uncertain significance (1 of 4 stars; one submission).

Conditions:
Xeroderma pigmentosum, group F (XPF). Also called: XERODERMA PIGMENTOSUM, TYPE F; ERCC4-Related Xeroderma Pigmentosum; XERODERMA PIGMENTOSUM VI; XP, GROUP F; XERODERMA PIGMENTOSUM, COMPLEMENTATION GROUP F; Xeroderma pigmentosum, type 6. Identifiers: MedGen C0268140, MONDO:0010215, OMIM 278760.

gnomAD v4.1: 1 of 1,610,830 alleles (0.000062%); highest among the groups gnomAD compares: Non-Finnish European, 0.000085%; no homozygotes.

Submission:

St. Jude Molecular Pathology, St. Jude Children's Research Hospital
Classification: Uncertain significance for Xeroderma pigmentosum, group F. Last evaluated: 2023-01-26. Review status: criteria provided, single submitter. Criteria: St. Jude Assertion Criteria 2020. Collection method: clinical testing. Allele origin: germline.
Comment: The ERCC4 c.961G>C (p.Gly321Arg) missense change is absent in gnomAD v2.1.1. The in silico tool REVEL predicts a benign effect on protein function, but to our knowledge this prediction has not been confirmed by functional studies. To our knowledge, this variant has not been reported in individuals with Fanconi anemia or Xeroderma pigmentosum. In summary, the evidence currently available is insufficient to determine the clinical significance of this variant. It has therefore been classified as of uncertain significance.